The following is an entry in ClinVar:

ClinVar aggregate classification (germline): Uncertain significance (1 of 4 stars; one submission).

Conditions:
Primary ciliary dyskinesia. Also called: Ciliary dyskinesia. Identifiers: Orphanet 244, MedGen C0008780, MONDO:0016575, HP:0012265.

Allele frequency attached by ClinVar (database versions not stated): gnomAD exomes below 0.00001; gnomAD 0.00002; TOPMed 0.00004.
gnomAD v4.1: 8 of 1,236,184 alleles (0.00065%); highest among the groups gnomAD compares: South Asian, 0.007%; no homozygotes.

Submission:

Labcorp Genetics (formerly Invitae), Labcorp
Classification: Uncertain significance for Primary ciliary dyskinesia. Last evaluated: 2017-03-31. Review status: criteria provided, single submitter. Criteria: Invitae Variant Classification Sherloc (09022015). Collection method: clinical testing. Allele origin: germline.
Comment: While this variant is not present in population databases, the frequency information is unreliable, as metrics indicate poor data quality at this position in the ExAC database. This variant has not been reported in the literature in individuals with a DNAAF5-related disease. This sequence change replaces valine with methionine at codon 97 of the DNAAF5 protein (p.Val97Met). The valine residue is weakly conserved and there is a small physicochemical difference between valine and methionine. In summary, this variant is a novel missense change that is not predicted to affect protein function. There is no indication that it causes disease, but the available evidence is currently insufficient to prove that conclusively. Therefore, it has been classified as a Variant of Uncertain Significance. Algorithms developed to predict the effect of missense changes on protein structure and function (SIFT, PolyPhen-2, Align-GVGD) all suggest that this variant is likely to be tolerated, but these predictions have not been confirmed by published functional studies.

NM_017802.4(DNAAF5):c.289G>A (p.Val97Met)

Genes: DNAAF5 (dynein axonemal assembly factor 5; plus strand), PRKAR1B (protein kinase cAMP-dependent type I regulatory subunit beta; minus strand). Cytogenetic location: 7p22.3.
Variant type: single nucleotide variant.
Coding change: c.289G>A on transcript NM_017802.4 (MANE Select); coding-DNA position 289, G replaced by A.
Protein change: p.Val97Met; replaces valine 97 with methionine.
Molecular consequence: missense variant. On other transcripts: non-coding transcript variant (1), intron variant (3).
Genome position (GRCh38, 1-based): chr7:727,009, G>A. VCF-style: chr7-727009-G-A. GRCh37 (hg19) VCF-style: chr7-766646-G-A.
Other names: c.-23+646C>T (NM_001164759.1); c.-23+581C>T (NM_001164758.2); c.-23+201C>T (NM_001164760.2); short protein forms V97M.
Identifiers: ClinVar variation 454863 (VCV000454863.7), dbSNP rs1039028606, ClinGen allele CA152333416.